The following is an entry in ClinVar:

NM_000170.3(GLDC):c.2352del (p.Val785fs)

Gene: GLDC (glycine decarboxylase; minus strand). Cytogenetic location: 9p24.1.
Variant type: Deletion.
Coding change: c.2352del on transcript NM_000170.3 (MANE Select); coding-DNA position 2352, one base deleted (C; older notation c.2352delC).
Protein change: p.Val785fs; shifts the reading frame from valine 785.
Molecular consequence: frameshift variant.
Genome position (GRCh38, 1-based): chr9:6,553,473, G deleted on the plus strand (C on the coding strand, the reverse complement: GLDC is on the minus strand); the first of 3 consecutive G bases (chr9:6,553,473-6,553,475); deleting any one gives the same sequence. VCF-style (leftmost placement, unchanged base first): chr9-6553472-CG-C. GRCh37 (hg19) VCF-style: chr9-6553472-CG-C.
Other names: short protein forms V785fs.
Identifiers: ClinVar variation 5018714 (VCV005018714.2).

ClinVar aggregate classification (germline): Likely pathogenic (1 of 4 stars; one submission).

Conditions:
Glycine encephalopathy 1 (GCE1). Identifiers: MedGen CN376801, MONDO:0958179, OMIM 605899.

Submission:

Juno Genomics, Hangzhou Juno Genomics, Inc
Classification: Likely pathogenic for Glycine encephalopathy 1. Review status: criteria provided, single submitter. Criteria: ACMG Guidelines, 2015. Collection method: clinical testing. Allele origin: germline.
Comment: Absent from controls (or at extremely low frequency if recessive) in Genome Aggregation Database.;Null variant in a gene where loss of function (LOF) is a known mechanism of disease.